The following is an entry in ClinVar:

NM_004260.4(RECQL4):c.1347C>T (p.Thr449=)

Gene: RECQL4 (RecQ like helicase 4; minus strand). Cytogenetic location: 8q24.3.
Variant type: single nucleotide variant.
Coding change: c.1347C>T on transcript NM_004260.4 (MANE Select); coding-DNA position 1347, C replaced by T.
Protein change: p.Thr449=; no amino-acid change (threonine 449 retained).
Molecular consequence: synonymous variant.
Genome position (GRCh38, 1-based): chr8:144,515,369, G>A on the plus strand (C>T on the coding strand, the complement: RECQL4 is on the minus strand). VCF-style: chr8-144515369-G-A. GRCh37 (hg19) VCF-style: chr8-145740753-G-A.
Identifiers: ClinVar variation 459316 (VCV000459316.27), dbSNP rs200763671, ClinGen allele CA187687456.

ClinVar aggregate classification (germline): Likely benign. Review status: criteria provided, multiple submitters, no conflicts (2 of 4 stars). 3 submissions from 3 submitters: Likely benign (3). Last evaluated 2024-12-23.

Conditions:
Inborn genetic diseases. Identifiers: MedGen C0950123, MeSH D030342.
Baller-Gerold syndrome (BGS). Also called: CRANIOSYNOSTOSIS WITH RADIAL DEFECTS. Identifiers: Orphanet 1225, MedGen C0265308, MONDO:0009039, OMIM 218600.

Allele frequency attached by ClinVar (database versions not stated): gnomAD 0.00001; TOPMed 0.00001; gnomAD exomes 0.00002.
gnomAD v4.1: 20 of 1,612,620 alleles (0.0012%); highest among the groups gnomAD compares: East Asian, 0.0067%; no homozygotes.

Submissions (3):

Ambry Genetics
Classification: Likely benign for Inborn genetic diseases. Last evaluated: 2024-12-23. Review status: criteria provided, single submitter. Criteria: Ambry Variant Classification Scheme 2023. Collection method: clinical testing. Allele origin: germline.

CeGaT Center for Human Genetics Tuebingen
Classification: Likely benign. Last evaluated: 2024-08-01. Review status: criteria provided, single submitter. Criteria: CeGaT Center For Human Genetics Tuebingen Variant Classification Criteria Version 2. Collection method: clinical testing. Allele origin: germline. Affected: yes. Observed: 1 variant allele.
Comment: RECQL4: BP4, BP7

Labcorp Genetics (formerly Invitae), Labcorp
Classification: Likely benign for Baller-Gerold syndrome. Last evaluated: 2024-04-29. Review status: criteria provided, single submitter. Criteria: Invitae Variant Classification Sherloc (09022015). Collection method: clinical testing. Allele origin: germline.